The following is an entry in ClinVar:

NM_194436.3(LDHD):c.738A>G (p.Thr246=)

Gene: LDHD (lactate dehydrogenase D; minus strand). Cytogenetic location: 16q23.1.
Variant type: single nucleotide variant.
Coding change: c.738A>G on transcript NM_194436.3 (MANE Select); coding-DNA position 738, A replaced by G.
Protein change: p.Thr246=; no amino-acid change (threonine 246 retained).
Molecular consequence: synonymous variant.
Genome position (GRCh38, 1-based): chr16:75,114,057, T>C on the plus strand (A>G on the coding strand, the complement: LDHD is on the minus strand). VCF-style: chr16-75114057-T-C. GRCh37 (hg19) VCF-style: chr16-75147955-T-C.
Other names: c.807A>G, p.Thr269= (NM_153486.4).
Identifiers: ClinVar variation 3039202 (VCV003039202.2), dbSNP rs138539047, ClinGen allele CA8172453.

ClinVar aggregate classification (germline): Benign (0 of 4 stars; one submission).

Conditions:
LDHD-related disorder. Also called: LDHD-related condition.

Allele frequency attached by ClinVar (database versions not stated): ESP Exome Variant Server 0.00123; TOPMed 0.00153; gnomAD 0.00222; gnomAD exomes 0.00323; 1000 Genomes Project 30x 0.00578; ExAC 0.00637; 1000 Genomes Project 0.00679.
gnomAD v4.1: 5,097 of 1,610,692 alleles (0.32%); highest among the groups gnomAD compares: South Asian, 3.2%; 91 homozygotes.

Submission:

PreventionGenetics, part of Exact Sciences
Classification: Benign for LDHD-related condition. Last evaluated: 2019-12-09. Review status: no assertion criteria provided. Collection method: clinical testing. Allele origin: germline.
Comment: This variant is classified as benign based on ACMG/AMP sequence variant interpretation guidelines (Richards et al. 2015 PMID: 25741868, with internal and published modifications).